The following is an entry in ClinVar:

NM_001379200.1(TBX1):c.127G>A (p.Gly43Ser)

Gene: TBX1 (T-box transcription factor 1; plus strand). Cytogenetic location: 22q11.21.
Variant type: single nucleotide variant.
Coding change: c.127G>A on transcript NM_001379200.1 (MANE Select); coding-DNA position 127, G replaced by A.
Protein change: p.Gly43Ser; replaces glycine 43 with serine.
Molecular consequence: missense variant.
Genome position (GRCh38, 1-based): chr22:19,760,970, G>A. VCF-style: chr22-19760970-G-A. GRCh37 (hg19) VCF-style: chr22-19748493-G-A.
Other names: c.100G>A, p.Gly34Ser (NM_005992.1, NM_080646.2, NM_080647.1); short protein forms G43S, G34S.
Identifiers: ClinVar variation 1413579 (VCV001413579.8), dbSNP rs1936637392, ClinGen allele CA410681204.

ClinVar aggregate classification (germline): Uncertain significance (1 of 4 stars; one submission).

Conditions:
DiGeorge syndrome. Also called: Catch22; THIRD AND FOURTH PHARYNGEAL POUCH SYNDROME. Identifiers: Orphanet 567, MedGen C0012236, MONDO:0008564, OMIM 188400.

Submission:

Labcorp Genetics (formerly Invitae), Labcorp
Classification: Uncertain significance for DiGeorge syndrome. Last evaluated: 2022-02-05. Review status: criteria provided, single submitter. Criteria: Invitae Variant Classification Sherloc (09022015). Collection method: clinical testing. Allele origin: germline.
Comment: This sequence change replaces glycine, which is neutral and non-polar, with serine, which is neutral and polar, at codon 34 of the TBX1 protein (p.Gly34Ser). The frequency data for this variant in the population databases is considered unreliable, as metrics indicate insufficient coverage at this position in the gnomAD database. This variant has not been reported in the literature in individuals affected with TBX1-related conditions. Algorithms developed to predict the effect of missense changes on protein structure and function are either unavailable or do not agree on the potential impact of this missense change (SIFT: "Tolerated"; PolyPhen-2: "Not Available"; Align-GVGD: "Class C0"). Algorithms developed to predict the effect of sequence changes on RNA splicing suggest that this variant may create or strengthen a splice site. In summary, the available evidence is currently insufficient to determine the role of this variant in disease. Therefore, it has been classified as a Variant of Uncertain Significance.